The following is an entry in ClinVar:

ClinVar aggregate classification (germline): Uncertain significance. Review status: criteria provided, multiple submitters, no conflicts (2 of 4 stars). 2 submissions from 2 submitters: Uncertain significance (2). Last evaluated 2024-03-18.

Conditions:
Fanconi anemia (FA). Also called: Fanconi's anemia. Identifiers: Orphanet 84, MedGen C0015625, MeSH D005199, MONDO:0019391.
Fanconi anemia complementation group D2. Also called: FANCD2-Related Fanconi Anemia; FANCONI PANCYTOPENIA, TYPE 4; FANCONI ANEMIA, COMPLEMENTATION GROUP D. Identifiers: Orphanet 84, MedGen C3160738, MONDO:0009214, OMIM 227646.

Allele frequency attached by ClinVar (database versions not stated): gnomAD exomes below 0.00001.
gnomAD v4.1: 1 of 1,609,620 alleles (0.000062%); highest among the groups gnomAD compares: Non-Finnish European, 0.000085%; no homozygotes.

Submissions (2):

Fulgent Genetics
Classification: Uncertain significance for Fanconi anemia complementation group D2. Last evaluated: 2024-03-18. Review status: criteria provided, single submitter. Criteria: ACMG Guidelines, 2015. Collection method: clinical testing. Allele origin: germline.

Labcorp Genetics (formerly Invitae), Labcorp
Classification: Uncertain significance for Fanconi anemia. Last evaluated: 2021-08-28. Review status: criteria provided, single submitter. Criteria: Invitae Variant Classification Sherloc (09022015). Collection method: clinical testing. Allele origin: germline.
Comment: This sequence change replaces glutamic acid with lysine at codon 751 of the FANCD2 protein (p.Glu751Lys). The glutamic acid residue is moderately conserved and there is a small physicochemical difference between glutamic acid and lysine. This variant is not present in population databases (ExAC no frequency). This variant has not been reported in the literature in individuals affected with FANCD2-related conditions. Algorithms developed to predict the effect of missense changes on protein structure and function are either unavailable or do not agree on the potential impact of this missense change (SIFT: "Tolerated"; PolyPhen-2: "Possibly Damaging"; Align-GVGD: "Class C0"). In summary, the available evidence is currently insufficient to determine the role of this variant in disease. Therefore, it has been classified as a Variant of Uncertain Significance.

NM_001018115.3(FANCD2):c.2251G>A (p.Glu751Lys)

Genes: FANCD2 (FA complementation group D2; plus strand), LOC107303338 (3p25 FANCD2 Alu-mediated recombination region; plus strand). Cytogenetic location: 3p25.3.
Variant type: single nucleotide variant.
Coding change: c.2251G>A on transcript NM_001018115.3 (MANE Select); coding-DNA position 2251, G replaced by A.
Protein change: p.Glu751Lys; replaces glutamic acid 751 with lysine.
Molecular consequence: missense variant.
Genome position (GRCh38, 1-based): chr3:10,065,476, G>A. VCF-style: chr3-10065476-G-A. GRCh37 (hg19) VCF-style: chr3-10107160-G-A.
Other names: c.2251G>A (NM_033084.4); c.2251G>A, p.Glu751Lys (NM_001319984.2, NM_001374254.1, NM_033084.6); c.2140G>A, p.Glu714Lys (NM_001374253.1); short protein forms E751K, E714K.
Identifiers: ClinVar variation 571321 (VCV000571321.8), dbSNP rs1559389326, ClinGen allele CA351734907.